The following is an entry in ClinVar:

NM_007215.4(POLG2):c.1344G>T (p.Leu448Phe)

Genes: POLG2 (DNA polymerase gamma 2, accessory subunit; minus strand), MILR1 (mast cell immunoglobulin like receptor 1; plus strand). Cytogenetic location: 17q23.3.
Variant type: single nucleotide variant.
Coding change: c.1344G>T on transcript NM_007215.4 (MANE Select); coding-DNA position 1344, G replaced by T.
Protein change: p.Leu448Phe; replaces leucine 448 with phenylalanine.
Molecular consequence: missense variant.
Genome position (GRCh38, 1-based): chr17:64,477,937, C>A on the plus strand (G>T on the coding strand, the complement: POLG2 is on the minus strand). VCF-style: chr17-64477937-C-A. GRCh37 (hg19) VCF-style: chr17-62474054-C-A.
Other names: short protein forms L448F.
Identifiers: ClinVar variation 2069038 (VCV002069038.4), dbSNP rs2509513195, ClinGen allele CA400635482.
Genomic context (GRCh38, chr17:64,477,937, plus strand): 5'-TATATGCATCATTTCCTTCATTGTGGTGTCTCTGCTTCTCAGATGTATTAATCCATTCTC[C>A]AAAGTAGTTTCAGTAACCAAAACTGTGAAGAGAATACTCATTTCATCATACCTAAGAAAA-3'
Protein context (NP_009146.2, residues 438-458): LFTVLVTETT[Leu448Phe]ENGLIHLRSR

ClinVar aggregate classification (germline): Uncertain significance (1 of 4 stars; one submission).

Submission:

Labcorp Genetics (formerly Invitae), Labcorp
Classification: Uncertain significance. Last evaluated: 2022-01-01. Review status: criteria provided, single submitter. Criteria: Invitae Variant Classification Sherloc (09022015). Collection method: clinical testing. Allele origin: germline.
Comment: In summary, the available evidence is currently insufficient to determine the role of this variant in disease. Therefore, it has been classified as a Variant of Uncertain Significance. Algorithms developed to predict the effect of missense changes on protein structure and function are either unavailable or do not agree on the potential impact of this missense change (SIFT: "Deleterious"; PolyPhen-2: "Probably Damaging"; Align-GVGD: "Class C0"). This variant has not been reported in the literature in individuals affected with POLG2-related conditions. This variant is not present in population databases (gnomAD no frequency). This sequence change replaces leucine, which is neutral and non-polar, with phenylalanine, which is neutral and non-polar, at codon 448 of the POLG2 protein (p.Leu448Phe).